The following is an entry in ClinVar:

ClinVar aggregate classification (germline): Uncertain significance (1 of 4 stars; one submission).

Conditions:
RASopathy. Also called: rasopathies; Noonan spectrum disorder. Identifiers: Orphanet 536391, MedGen C5555857, MONDO:0021060.

Allele frequency attached by ClinVar (database versions not stated): gnomAD exomes below 0.00001; ExAC 0.00001.
gnomAD v4.1: 1 of 1,613,398 alleles (0.000062%); highest among the groups gnomAD compares: South Asian, 0.0011%; no homozygotes.

Submission:

Labcorp Genetics (formerly Invitae), Labcorp
Classification: Uncertain significance for RASopathy. Last evaluated: 2023-12-30. Review status: criteria provided, single submitter. Criteria: Invitae Variant Classification Sherloc (09022015). Collection method: clinical testing. Allele origin: germline.
Comment: This sequence change falls in intron 3 of the MAP2K2 gene. It does not directly change the encoded amino acid sequence of the MAP2K2 protein. It affects a nucleotide within the consensus splice site. This variant is present in population databases (rs780499842, gnomAD 0.003%). This variant has not been reported in the literature in individuals affected with MAP2K2-related conditions. Variants that disrupt the consensus splice site are a relatively common cause of aberrant splicing (PMID: 17576681, 9536098). Algorithms developed to predict the effect of sequence changes on RNA splicing suggest that this variant is not likely to affect RNA splicing. In summary, the available evidence is currently insufficient to determine the role of this variant in disease. Therefore, it has been classified as a Variant of Uncertain Significance.

Literature cited by the submitters: PubMed 17576681; PubMed 9536098.

NM_030662.4(MAP2K2):c.450+3G>A

Gene: MAP2K2 (mitogen-activated protein kinase kinase 2; minus strand). Cytogenetic location: 19p13.3.
Variant type: single nucleotide variant.
Coding change: c.450+3G>A on transcript NM_030662.4 (MANE Select); 3 bases into the intron after coding-DNA position 450, G replaced by A.
Molecular consequence: intron variant.
Genome position (GRCh38, 1-based): chr19:4,110,506, C>T on the plus strand (G>A on the coding strand, the complement: MAP2K2 is on the minus strand). VCF-style: chr19-4110506-C-T. GRCh37 (hg19) VCF-style: chr19-4110504-C-T.
Identifiers: ClinVar variation 2977294 (VCV002977294.3), dbSNP rs780499842, ClinGen allele CA9090997.